The following is an entry in ClinVar:

ClinVar aggregate classification (germline): Uncertain significance. Review status: criteria provided, multiple submitters, no conflicts (2 of 4 stars). 2 submissions from 2 submitters: Uncertain significance (2). Last evaluated 2022-11-19.

Conditions:
Early-infantile DEE. Also called: Ohtahara syndrome; Early infantile epileptic encephalopathy with suppression bursts; Early infantile epileptic encephalopathy. Identifiers: Orphanet 1934, MedGen C0393706, MONDO:0800491.

Submissions (2):

GeneDx
Classification: Uncertain significance. Last evaluated: 2022-11-19. Review status: criteria provided, single submitter. Criteria: GeneDx Variant Classification Process June 2021. Collection method: clinical testing. Allele origin: germline. Affected: yes.
Comment: Not observed at significant frequency in large population cohorts (gnomAD); Missense variants in this gene are often considered pathogenic (HGMD); In silico analysis supports that this missense variant has a deleterious effect on protein structure/function; Has not been previously published as pathogenic or benign to our knowledge

Labcorp Genetics (formerly Invitae), Labcorp
Classification: Uncertain significance for Early-infantile DEE. Last evaluated: 2021-12-13. Review status: criteria provided, single submitter. Criteria: Invitae Variant Classification Sherloc (09022015). Collection method: clinical testing. Allele origin: germline.
Comment: This variant has not been reported in the literature in individuals affected with SCN1A-related conditions. This variant is not present in population databases (gnomAD no frequency). This sequence change replaces aspartic acid, which is acidic and polar, with valine, which is neutral and non-polar, at codon 606 of the SCN1A protein (p.Asp606Val). Algorithms developed to predict the effect of missense changes on protein structure and function (SIFT, PolyPhen-2, Align-GVGD) all suggest that this variant is likely to be disruptive. In summary, the available evidence is currently insufficient to determine the role of this variant in disease. Therefore, it has been classified as a Variant of Uncertain Significance.

NM_001165963.4(SCN1A):c.1817A>T (p.Asp606Val)

Gene: SCN1A (sodium voltage-gated channel alpha subunit 1; minus strand). Cytogenetic location: 2q24.3.
Variant type: single nucleotide variant.
Coding change: c.1817A>T on transcript NM_001165963.4 (MANE Select); coding-DNA position 1817, A replaced by T.
Protein change: p.Asp606Val; replaces aspartic acid 606 with valine.
Molecular consequence: missense variant. On other transcripts: 5 prime UTR variant (1), non-coding transcript variant (1).
Genome position (GRCh38, 1-based): chr2:166,043,895, T>A on the plus strand (A>T on the coding strand, the complement: SCN1A is on the minus strand). VCF-style: chr2-166043895-T-A. GRCh37 (hg19) VCF-style: chr2-166900405-T-A.
Other names: c.1817A>T (NM_001165963.1); c.1817A>T, p.Asp606Val (NM_001165964.3, NM_001202435.3, NM_001353948.2 and 7 more transcripts); c.1814A>T, p.Asp605Val (NM_001353954.2, NM_001353955.2, NM_001353960.2); c.-609A>T (NM_001353961.2); short protein forms D606V, D605V.
Identifiers: ClinVar variation 1439130 (VCV001439130.7), dbSNP rs748797259, ClinGen allele CA349067565.